The following is an entry in ClinVar:

NM_000268.4(NF2):c.1295_1309del (p.Glu432_Leu436del)

Gene: NF2 (NF2, moesin-ezrin-radixin like (MERLIN) tumor suppressor; plus strand). Cytogenetic location: 22q12.2.
Variant type: Deletion.
Coding change: c.1295_1309del on transcript NM_000268.4 (MANE Select); coding-DNA positions 1295 to 1309, 15 bases deleted (AAGCCGAGGTGCTGG).
Protein change: p.Glu432_Leu436del.
Molecular consequence: inframe deletion. On other transcripts: intron variant (1).
Genome position (GRCh38, 1-based): chr22:29,673,441-29,673,455, AAGCCGAGGTGCTGG deleted; deleting any 15 consecutive bases within chr22:29,673,432-29,673,455 gives the same sequence; the c. name uses the placement nearest the transcript's 3' end. VCF-style (leftmost placement, unchanged base first): chr22-29673431-AAGGTGCTGGAAGCCG-A. GRCh37 (hg19) VCF-style: chr22-30069420-AAGGTGCTGGAAGCCG-A.
Other names: c.1181_1195del, p.Glu394_Leu398del (NM_001407053.1, NM_001407056.1); c.1172_1186del, p.Glu391_Leu395del (NM_001407054.1, NM_001407058.1, NM_181829.3); c.1169_1183del, p.Glu390_Leu394del (NM_001407055.1, NM_181828.3); c.1160_1174del, p.Glu387_Leu391del (NM_001407057.1, NM_001407059.1); c.1295_1309del, p.Glu432_Leu436del (NM_001407060.1, NM_001407066.1, NM_016418.5 and 2 more transcripts); c.1037_1051del, p.Glu346_Leu350del (NM_001407062.1); c.1046_1060del, p.Glu349_Leu353del (NM_001407063.1, NM_001407064.1, NM_181830.3 and 1 more transcripts); c.761_775del, p.Glu254_Leu258del (NM_001407065.1); and 2 more.
Identifiers: ClinVar variation 4751969 (VCV004751969.1).

ClinVar aggregate classification (germline): Uncertain significance (1 of 4 stars; one submission).

Conditions:
Neurofibromatosis, type 2 (SWNV). Also called: BILATERAL ACOUSTIC NEUROFIBROMATOSIS; NF2-Related Schwannomatosis; SCHWANNOMATOSIS, VESTIBULAR. Identifiers: Orphanet 637, MedGen C0027832, MONDO:0007039, OMIM 101000. Disease mechanism: loss of function.

Submission:

Labcorp Genetics (formerly Invitae), Labcorp
Classification: Uncertain significance for Neurofibromatosis, type 2. Last evaluated: 2025-08-13. Review status: criteria provided, single submitter. Criteria: Invitae Variant Classification Sherloc (09022015). Collection method: clinical testing. Allele origin: germline.
Comment: This variant, c.1295_1309del, results in the deletion of 5 amino acid(s) of the NF2 protein (p.Glu432_Leu436del), but otherwise preserves the integrity of the reading frame. This variant is not present in population databases (gnomAD no frequency). This variant has not been reported in the literature in individuals affected with NF2-related conditions. Experimental studies and prediction algorithms are not available or were not evaluated, and the functional significance of this variant is currently unknown. In summary, the available evidence is currently insufficient to determine the role of this variant in disease. Therefore, it has been classified as a Variant of Uncertain Significance.